The following is an entry in ClinVar:

NM_018297.4(NGLY1):c.1366G>C (p.Gly456Arg)

Gene: NGLY1 (N-glycanase 1; minus strand). Cytogenetic location: 3p24.2.
Variant type: single nucleotide variant.
Coding change: c.1366G>C on transcript NM_018297.4 (MANE Select); coding-DNA position 1366, G replaced by C.
Protein change: p.Gly456Arg; replaces glycine 456 with arginine.
Molecular consequence: missense variant.
Genome position (GRCh38, 1-based): chr3:25,732,378, C>G on the plus strand (G>C on the coding strand, the complement: NGLY1 is on the minus strand). VCF-style: chr3-25732378-C-G. GRCh37 (hg19) VCF-style: chr3-25773869-C-G.
Other names: c.1312G>C, p.Gly438Arg (NM_001145293.2); c.1240G>C, p.Gly414Arg (NM_001145294.2); c.1366G>C, p.Gly456Arg (NM_001145295.2); short protein forms G456R, G414R, G438R.
Identifiers: ClinVar variation 847060 (VCV000847060.4), dbSNP rs746748010, ClinGen allele CA2289177.

ClinVar aggregate classification (germline): Uncertain significance (1 of 4 stars; one submission).

Conditions:
Congenital disorder of deglycosylation (CDDG). Identifiers: MedGen C3808991, MONDO:0031376.

Allele frequency attached by ClinVar (database versions not stated): gnomAD exomes 0.00002; ExAC 0.00003; gnomAD 0.00005 and 0.00006; TOPMed 0.00006.
gnomAD v4.1: 73 of 1,613,702 alleles (0.0045%); highest among the groups gnomAD compares: Non-Finnish European, 0.0058%; no homozygotes.

Submission:

Labcorp Genetics (formerly Invitae), Labcorp
Classification: Uncertain significance for Congenital disorder of deglycosylation. Last evaluated: 2022-06-27. Review status: criteria provided, single submitter. Criteria: Invitae Variant Classification Sherloc (09022015). Collection method: clinical testing. Allele origin: germline.
Comment: This sequence change replaces glycine, which is neutral and non-polar, with arginine, which is basic and polar, at codon 456 of the NGLY1 protein (p.Gly456Arg). This variant is present in population databases (rs746748010, gnomAD 0.006%). This variant has not been reported in the literature in individuals affected with NGLY1-related conditions. ClinVar contains an entry for this variant (Variation ID: 847060). Algorithms developed to predict the effect of missense changes on protein structure and function are either unavailable or do not agree on the potential impact of this missense change (SIFT: "Deleterious"; PolyPhen-2: "Benign"; Align-GVGD: "Class C0"). Algorithms developed to predict the effect of sequence changes on RNA splicing suggest that this variant may create or strengthen a splice site. In summary, the available evidence is currently insufficient to determine the role of this variant in disease. Therefore, it has been classified as a Variant of Uncertain Significance.